The following is an entry in ClinVar:

NM_000836.4(GRIN2D):c.748C>G (p.Arg250Gly)

Gene: GRIN2D (glutamate ionotropic receptor NMDA type subunit 2D; plus strand). Cytogenetic location: 19q13.33.
Variant type: single nucleotide variant.
Coding change: c.748C>G on transcript NM_000836.4 (MANE Select); coding-DNA position 748, C replaced by G.
Protein change: p.Arg250Gly; replaces arginine 250 with glycine.
Molecular consequence: missense variant.
Genome position (GRCh38, 1-based): chr19:48,405,016, C>G. VCF-style: chr19-48405016-C-G. GRCh37 (hg19) VCF-style: chr19-48908273-C-G.
Other names: short protein forms R250G.
Identifiers: ClinVar variation 2817449 (VCV002817449.3), dbSNP rs753823477, ClinGen allele CA9550383.

ClinVar aggregate classification (germline): Uncertain significance (1 of 4 stars; one submission).

Allele frequency attached by ClinVar (database versions not stated): ExAC 0.00001; gnomAD exomes 0.00001.
gnomAD v4.1: 4 of 1,612,264 alleles (0.00025%); highest among the groups gnomAD compares: Non-Finnish European, 0.00034%; no homozygotes.

Submission:

Labcorp Genetics (formerly Invitae), Labcorp
Classification: Uncertain significance. Last evaluated: 2023-07-10. Review status: criteria provided, single submitter. Criteria: Invitae Variant Classification Sherloc (09022015). Collection method: clinical testing. Allele origin: germline.
Comment: This sequence change replaces arginine, which is basic and polar, with glycine, which is neutral and non-polar, at codon 250 of the GRIN2D protein (p.Arg250Gly). This variant is present in population databases (rs753823477, gnomAD 0.001%). This variant has not been reported in the literature in individuals affected with GRIN2D-related conditions. Advanced modeling of protein sequence and biophysical properties (such as structural, functional, and spatial information, amino acid conservation, physicochemical variation, residue mobility, and thermodynamic stability) performed at Invitae indicates that this missense variant is not expected to disrupt GRIN2D protein function. In summary, the available evidence is currently insufficient to determine the role of this variant in disease. Therefore, it has been classified as a Variant of Uncertain Significance.